The following is an entry in ClinVar:

NM_005233.6(EPHA3):c.2721T>C (p.Asn907=)

Gene: EPHA3 (EPH receptor A3; plus strand). Cytogenetic location: 3p11.1.
Variant type: single nucleotide variant.
Coding change: c.2721T>C on transcript NM_005233.6 (MANE Select); coding-DNA position 2721, T replaced by C.
Protein change: p.Asn907=; no amino-acid change (asparagine 907 retained).
Molecular consequence: synonymous variant.
Genome position (GRCh38, 1-based): chr3:89,472,494, T>C. VCF-style: chr3-89472494-T-C. GRCh37 (hg19) VCF-style: chr3-89521644-T-C.
Other names: c.2721T>C, p.Asn907= (NM_001410778.1).
Identifiers: ClinVar variation 3038386 (VCV003038386.2), dbSNP rs73846185, ClinGen allele CA2502933.

ClinVar aggregate classification (germline): Benign (0 of 4 stars; one submission).

Conditions:
EPHA3-related disorder. Also called: EPHA3-related condition.

Allele frequency attached by ClinVar (database versions not stated): gnomAD exomes 0.00327; 1000 Genomes Project 0.03255; 1000 Genomes Project 30x 0.03435; ESP Exome Variant Server 0.04244.
gnomAD v4.1: 10,105 of 1,613,992 alleles (0.63%); highest among the groups gnomAD compares: African/African-American, 12%; 578 homozygotes.

Submission:

PreventionGenetics, part of Exact Sciences
Classification: Benign for EPHA3-related condition. Last evaluated: 2019-06-07. Review status: no assertion criteria provided. Collection method: clinical testing. Allele origin: germline.
Comment: This variant is classified as benign based on ACMG/AMP sequence variant interpretation guidelines (Richards et al. 2015 PMID: 25741868, with internal and published modifications).